The following is an entry in ClinVar:

NM_004415.4(DSP):c.1984G>A (p.Asp662Asn)

Gene: DSP (desmoplakin; plus strand). Cytogenetic location: 6p24.3.
Variant type: single nucleotide variant.
Coding change: c.1984G>A on transcript NM_004415.4 (MANE Select); coding-DNA position 1984, G replaced by A.
Protein change: p.Asp662Asn; replaces aspartic acid 662 with asparagine.
Molecular consequence: missense variant.
Genome position (GRCh38, 1-based): chr6:7,571,922, G>A. VCF-style: chr6-7571922-G-A. GRCh37 (hg19) VCF-style: chr6-7572155-G-A.
Other names: c.1984G>A, p.Asp662Asn (NM_001008844.3, NM_001319034.2); short protein forms D662N.
Identifiers: ClinVar variation 927880 (VCV000927880.5), dbSNP rs1759067108, ClinGen allele CA362680296.
Genomic context (GRCh38, chr6:7,571,922, plus strand): 5'-CATCATGGAACCTGCCAAGATGTCAACCATAATAAAGTAATTGAAACCAACAGAGAAAAT[G>A]ACAAGCAAGAAACATGGATGCTGATGGAGCTGCAGAAGATTCGCAGGCAGATAGAGCACT-3'
Protein context (NP_004406.2, residues 652-672): NKVIETNREN[Asp662Asn]KQETWMLMEL

ClinVar aggregate classification (germline): Uncertain significance (1 of 4 stars; one submission).

Conditions:
Cardiomyopathy (CMYO). Also called: Cardiomyopathies. Identifiers: Orphanet 167848, MedGen C0878544, MONDO:0004994, HP:0001638. Inheritance: Various modes of inheritance.

Allele frequency attached by ClinVar (database versions not stated): gnomAD exomes below 0.00001; TOPMed below 0.00001.
gnomAD v4.1: 1 of 1,614,124 alleles (0.000062%); highest among the groups gnomAD compares: East Asian, 0.0022%; no homozygotes.

Submission:

Color Diagnostics, LLC DBA Color Health
Classification: Uncertain significance for Cardiomyopathy. Last evaluated: 2023-12-04. Review status: criteria provided, single submitter. Criteria: ACMG Guidelines, 2015. Collection method: clinical testing. Allele origin: germline.
Comment: This missense variant replaces aspartic acid with asparagine at codon 662 of the DSP protein. Computational prediction tools and conservation analyses are inconclusive regarding the impact of this variant on the protein function. Computational splicing tools suggest that this variant may not impact RNA splicing. To our knowledge, functional assays have not been performed for this variant nor has this variant been reported in individuals affected with cardiovascular disorders in the literature. This variant has not been identified in the general population by the Genome Aggregation Database (gnomAD). Available evidence is insufficient to determine the role of this variant in disease conclusively. Therefore, this variant is classified as a Variant of Uncertain Significance.